The following is an entry in ClinVar:

ClinVar aggregate classification (germline): Uncertain significance (1 of 4 stars; one submission).

Conditions:
Nephronophthisis. Also called: Juvenile Nephronophthisis. Identifiers: Orphanet 655, MedGen C0687120, MONDO:0019005, HP:0000090.

Allele frequency attached by ClinVar (database versions not stated): gnomAD exomes 0.00001; ExAC 0.00001; gnomAD 0.00001.
gnomAD v4.1: 4 of 1,613,730 alleles (0.00025%); highest among the groups gnomAD compares: East Asian, 0.0089%; no homozygotes.

Submission:

Labcorp Genetics (formerly Invitae), Labcorp
Classification: Uncertain significance for Nephronophthisis. Last evaluated: 2022-08-16. Review status: criteria provided, single submitter. Criteria: Invitae Variant Classification Sherloc (09022015). Collection method: clinical testing. Allele origin: germline.
Comment: In summary, the available evidence is currently insufficient to determine the role of this variant in disease. Therefore, it has been classified as a Variant of Uncertain Significance. Variants that disrupt the consensus splice site are a relatively common cause of aberrant splicing (PMID: 17576681, 9536098). Algorithms developed to predict the effect of sequence changes on RNA splicing suggest that this variant is not likely to affect RNA splicing. ClinVar contains an entry for this variant (Variation ID: 1427369). This variant has not been reported in the literature in individuals affected with NPHP4-related conditions. This variant is present in population databases (rs755849307, gnomAD 0.02%). This sequence change falls in intron 29 of the NPHP4 gene. It does not directly change the encoded amino acid sequence of the NPHP4 protein. It affects a nucleotide within the consensus splice site.

Literature cited by the submitters: PubMed 17576681; PubMed 9536098.

NM_015102.5(NPHP4):c.4140+3G>C

Gene: NPHP4 (nephrocystin 4; minus strand). Cytogenetic location: 1p36.31.
Variant type: single nucleotide variant.
Coding change: c.4140+3G>C on transcript NM_015102.5 (MANE Select); 3 bases into the intron after coding-DNA position 4140, G replaced by C.
Molecular consequence: intron variant.
Genome position (GRCh38, 1-based): chr1:5,863,887, C>G on the plus strand (G>C on the coding strand, the complement: NPHP4 is on the minus strand). VCF-style: chr1-5863887-C-G. GRCh37 (hg19) VCF-style: chr1-5923947-C-G.
Other names: c.2604+3G>C (NM_001291594.2); c.2601+3G>C (NM_001291593.2).
Identifiers: ClinVar variation 1427369 (VCV001427369.4), dbSNP rs755849307, ClinGen allele CA553346.